The following is an entry in ClinVar:

ClinVar aggregate classification (germline): Uncertain significance (1 of 4 stars; one submission).

Conditions:
Severe early-onset pulmonary alveolar proteinosis due to MARS deficiency. Also called: PULMONARY ALVEOLAR PROTEINOSIS, REUNION ISLAND; Interstitial lung and liver disease. Identifiers: Orphanet 440427, MedGen C4225400, MONDO:0014206, OMIM 615486.
Charcot-Marie-Tooth disease axonal type 2U. Also called: CHARCOT-MARIE-TOOTH NEUROPATHY, TYPE 2U; CHARCOT-MARIE-TOOTH DISEASE, AXONAL, AUTOSOMAL DOMINANT, TYPE 2U. Identifiers: Orphanet 397735, MedGen C4084821, MONDO:0014566, OMIM 616280.

Submission:

Labcorp Genetics (formerly Invitae), Labcorp
Classification: Uncertain significance for Charcot-Marie-Tooth disease axonal type 2U; Severe early-onset pulmonary alveolar proteinosis due to MARS deficiency. Last evaluated: 2025-08-14. Review status: criteria provided, single submitter. Criteria: Invitae Variant Classification Sherloc (09022015). Collection method: clinical testing. Allele origin: germline.
Comment: This sequence change falls in intron 13 of the MARS gene. It does not directly change the encoded amino acid sequence of the MARS protein. It affects a nucleotide within the consensus splice site. This variant is not present in population databases (gnomAD no frequency). This variant has not been reported in the literature in individuals affected with MARS-related conditions. Variants that disrupt the consensus splice site are a relatively common cause of aberrant splicing (PMID: 17576681, 9536098). Algorithms developed to predict the effect of sequence changes on RNA splicing suggest that this variant may disrupt the consensus splice site. In summary, the available evidence is currently insufficient to determine the role of this variant in disease. Therefore, it has been classified as a Variant of Uncertain Significance.

Literature cited by the submitters: PubMed 17576681; PubMed 9536098.

NM_004990.4(MARS1):c.1636-3T>G

Gene: MARS1 (methionyl-tRNA synthetase 1; plus strand). Cytogenetic location: 12q13.3.
Variant type: single nucleotide variant.
Coding change: c.1636-3T>G on transcript NM_004990.4 (MANE Select); 3 bases into the intron before coding-DNA position 1636, T replaced by G.
Molecular consequence: intron variant.
Genome position (GRCh38, 1-based): chr12:57,512,233, T>G. VCF-style: chr12-57512233-T-G. GRCh37 (hg19) VCF-style: chr12-57906016-T-G.
Identifiers: ClinVar variation 4785873 (VCV004785873.1).